The following is an entry in ClinVar:

NM_001365276.2(TNXB):c.7699C>T (p.Arg2567Cys)

Gene: TNXB (tenascin XB; minus strand). Cytogenetic location: 6p21.33.
Variant type: single nucleotide variant.
Coding change: c.7699C>T on transcript NM_001365276.2 (MANE Select); coding-DNA position 7699, C replaced by T.
Protein change: p.Arg2567Cys; replaces arginine 2567 with cysteine.
Molecular consequence: missense variant.
Genome position (GRCh38, 1-based): chr6:32,058,184, G>A on the plus strand (C>T on the coding strand, the complement: TNXB is on the minus strand). VCF-style: chr6-32058184-G-A. GRCh37 (hg19) VCF-style: chr6-32025961-G-A.
Other names: c.7699C>T, p.Arg2567Cys (NM_019105.8); short protein forms R2567C.
Identifiers: ClinVar variation 450227 (VCV000450227.6), dbSNP rs1206309969, ClinGen allele CA363551215.

ClinVar aggregate classification (germline): Uncertain significance. Review status: criteria provided, multiple submitters, no conflicts (2 of 4 stars). 2 submissions from 2 submitters: Uncertain significance (2). Last evaluated 2025-08-20.

Conditions:
Cardiovascular phenotype. Identifiers: MedGen CN230736.

Allele frequency attached by ClinVar (database versions not stated): gnomAD exomes 0.00001; gnomAD 0.00003; TOPMed 0.00003.
gnomAD v4.1: 18 of 1,612,326 alleles (0.0011%); highest among the groups gnomAD compares: Non-Finnish European, 0.0014%; no homozygotes.

Submissions (2):

GeneDx
Classification: Uncertain significance. Last evaluated: 2025-08-20. Review status: criteria provided, single submitter. Criteria: GeneDx Variant Classification Process June 2021. Collection method: clinical testing. Allele origin: germline. Affected: yes.
Comment: Has not been previously published as pathogenic or benign to our knowledge; Not observed at significant frequency in large population cohorts (gnomAD); In silico analysis supports that this missense variant has a deleterious effect on protein structure/function

Ambry Genetics
Classification: Uncertain significance for Cardiovascular phenotype. Last evaluated: 2024-01-08. Review status: criteria provided, single submitter. Criteria: Ambry Variant Classification Scheme 2023. Collection method: clinical testing. Allele origin: germline.